The following is an entry in ClinVar:

ClinVar aggregate classification (germline): Pathogenic (1 of 4 stars; one submission).

Conditions:
T-cell immunodeficiency, congenital alopecia, and nail dystrophy. Also called: Congenital alopecia and nail dystrophy associated with severe functional T-cell immunodeficiency; Pignata Guarino syndrome. Identifiers: Orphanet 169095, MedGen C1866426, MONDO:0011132, OMIM 601705.

Submission:

Labcorp Genetics (formerly Invitae), Labcorp
Classification: Pathogenic for T-cell immunodeficiency, congenital alopecia, and nail dystrophy. Last evaluated: 2019-11-29. Review status: criteria provided, single submitter. Criteria: Invitae Variant Classification Sherloc (09022015). Collection method: clinical testing. Allele origin: germline.
Comment: For these reasons, this variant has been classified as Pathogenic. Loss-of-function variants in FOXN1 are known to be pathogenic (PMID: 10206641, 15180707). This variant has not been reported in the literature in individuals with FOXN1-related conditions. This variant is not present in population databases (ExAC no frequency). This sequence change creates a premature translational stop signal (p.Pro65Hisfs*237) in the FOXN1 gene. It is expected to result in an absent or disrupted protein product.

Literature cited by the submitters: PubMed 10206641; PubMed 15180707.

NM_001369369.1(FOXN1):c.189del (p.Pro65fs)

Gene: FOXN1 (forkhead box N1; plus strand). Cytogenetic location: 17q11.2.
Variant type: Deletion.
Coding change: c.189del on transcript NM_001369369.1 (MANE Select); coding-DNA position 189, one base deleted (G; older notation c.189delG).
Protein change: p.Pro65fs; shifts the reading frame from proline 65.
Molecular consequence: frameshift variant.
Genome position (GRCh38, 1-based): chr17:28,524,568, G deleted. VCF-style (leftmost placement, unchanged base first): chr17-28524567-TG-T. GRCh37 (hg19) VCF-style: chr17-26851585-TG-T.
Other names: c.189del, p.Pro65fs (NM_003593.3); short protein forms P65fs.
Identifiers: ClinVar variation 854460 (VCV000854460.7), dbSNP rs2069719445, ClinGen allele CA916082432.